The following is an entry in ClinVar:

ClinVar aggregate classification (germline): Uncertain significance (1 of 4 stars; one submission).

Conditions:
Autosomal recessive ataxia, Beauce type. Also called: SYNE1-Related Autosomal Recessive Cerebellar Ataxia; Spinocerebellar ataxia, autosomal recessive 8; ATAXIA, RECESSIVE, OF BEAUCE; SYNE1 Deficiency. Identifiers: Orphanet 88644, MedGen C1853116, MONDO:0012549, OMIM 610743.
Emery-Dreifuss muscular dystrophy 4, autosomal dominant (EDMD4). Also called: EMERY-DREIFUSS MUSCULAR DYSTROPHY 4 WITH VARIABLE FEATURES. Identifiers: Orphanet 261, MedGen C2751807, MONDO:0013071, OMIM 612998.

Allele frequency attached by ClinVar (database versions not stated): ExAC 0.00001; gnomAD exomes 0.00001.

Submission:

Labcorp Genetics (formerly Invitae), Labcorp
Classification: Uncertain significance for Emery-Dreifuss muscular dystrophy 4, autosomal dominant; Autosomal recessive ataxia, Beauce type. Last evaluated: 2024-02-17. Review status: criteria provided, single submitter. Criteria: Invitae Variant Classification Sherloc (09022015). Collection method: clinical testing. Allele origin: germline.
Comment: This sequence change replaces isoleucine, which is neutral and non-polar, with valine, which is neutral and non-polar, at codon 6875 of the SYNE1 protein (p.Ile6875Val). This variant is present in population databases (rs758767378, gnomAD 0.007%). This variant has not been reported in the literature in individuals affected with SYNE1-related conditions. ClinVar contains an entry for this variant (Variation ID: 1461958). Algorithms developed to predict the effect of missense changes on protein structure and function output the following: SIFT: "Not Available"; PolyPhen-2: "Benign"; Align-GVGD: "Not Available". The valine amino acid residue is found in multiple mammalian species, which suggests that this missense change does not adversely affect protein function. In summary, the available evidence is currently insufficient to determine the role of this variant in disease. Therefore, it has been classified as a Variant of Uncertain Significance.

NM_182961.4(SYNE1):c.20836A>G (p.Ile6946Val)

Gene: SYNE1 (spectrin repeat containing nuclear envelope protein 1; minus strand). Cytogenetic location: 6q25.2.
Variant type: single nucleotide variant.
Coding change: c.20836A>G on transcript NM_182961.4 (MANE Select); coding-DNA position 20836, A replaced by G.
Protein change: p.Ile6946Val; replaces isoleucine 6946 with valine.
Molecular consequence: missense variant.
Genome position (GRCh38, 1-based): chr6:152,232,142, T>C on the plus strand (A>G on the coding strand, the complement: SYNE1 is on the minus strand). VCF-style: chr6-152232142-T-C. GRCh37 (hg19) VCF-style: chr6-152553277-T-C.
Other names: c.20623A>G, p.Ile6875Val (NM_033071.5); short protein forms I6875V, I6946V.
Identifiers: ClinVar variation 1461958 (VCV001461958.7), dbSNP rs758767378, ClinGen allele CA4054322.